The following is an entry in ClinVar:

NM_015268.4(DNAJC13):c.6240+4T>C

Gene: DNAJC13 (DnaJ heat shock protein family (Hsp40) member C13; plus strand). Cytogenetic location: 3q22.1.
Variant type: single nucleotide variant.
Coding change: c.6240+4T>C on transcript NM_015268.4 (MANE Select); 4 bases into the intron after coding-DNA position 6240, T replaced by C.
Molecular consequence: intron variant.
Genome position (GRCh38, 1-based): chr3:132,525,793, T>C. VCF-style: chr3-132525793-T-C. GRCh37 (hg19) VCF-style: chr3-132244637-T-C.
Other names: c.6255+4T>C (NM_001329126.2).
Identifiers: ClinVar variation 3025003 (VCV003025003.22), dbSNP rs187601589, ClinGen allele CA2620061.

ClinVar aggregate classification (germline): Likely benign (1 of 4 stars; one submission).

Allele frequency attached by ClinVar (database versions not stated): gnomAD exomes 0.00079; ExAC 0.00142; ESP Exome Variant Server 0.00269; gnomAD 0.00283; TOPMed 0.00335; 1000 Genomes Project 0.00499; 1000 Genomes Project 30x 0.00500.
gnomAD v4.1: 1,601 of 1,613,614 alleles (0.099%); highest among the groups gnomAD compares: African/African-American, 0.91%; 11 homozygotes.

Submission:

CeGaT Center for Human Genetics Tuebingen
Classification: Likely benign. Last evaluated: 2025-02-01. Review status: criteria provided, single submitter. Criteria: CeGaT Center For Human Genetics Tuebingen Variant Classification Criteria Version 2. Collection method: clinical testing. Allele origin: germline. Affected: yes. Observed: 2 variant alleles.
Comment: DNAJC13: BP4, BS2